The following is an entry in ClinVar:

ClinVar aggregate classification (germline): Uncertain significance (1 of 4 stars; one submission).

Conditions:
Hereditary cancer-predisposing syndrome. Also called: Neoplastic Syndromes, Hereditary; Tumor predisposition; Hereditary Cancer Syndrome; Hereditary neoplastic syndrome. Identifiers: Orphanet 140162, MedGen C0027672, MeSH D009386, MONDO:0015356.

Submission:

Ambry Genetics
Classification: Uncertain significance for Hereditary cancer-predisposing syndrome. Last evaluated: 2026-01-14. Review status: criteria provided, single submitter. Criteria: Ambry Variant Classification Scheme 2023. Collection method: clinical testing. Allele origin: germline.
Comment: The p.A64S variant (also known as c.190G>T), located in coding exon 1 of the FLCN gene, results from a G to T substitution at nucleotide position 190. The alanine at codon 64 is replaced by serine, an amino acid with similar properties. This amino acid position is conserved. In addition, the in silico prediction for this alteration is inconclusive. Based on the available evidence, the clinical significance of this variant remains unclear.

NM_144997.7(FLCN):c.190G>T (p.Ala64Ser)

Gene: FLCN (folliculin; minus strand). Cytogenetic location: 17p11.2.
Variant type: single nucleotide variant.
Coding change: c.190G>T on transcript NM_144997.7 (MANE Select); coding-DNA position 190, G replaced by T.
Protein change: p.Ala64Ser; replaces alanine 64 with serine.
Molecular consequence: missense variant.
Genome position (GRCh38, 1-based): chr17:17,227,948, C>A on the plus strand (G>T on the coding strand, the complement: FLCN is on the minus strand). VCF-style: chr17-17227948-C-A. GRCh37 (hg19) VCF-style: chr17-17131262-C-A.
Other names: c.190G>T, p.Ala64Ser (NM_001353229.2, NM_001353230.2, NM_001353231.2 and 1 more transcripts); short protein forms A64S.
Identifiers: ClinVar variation 4832012 (VCV004832012.1).